The following is an entry in ClinVar:

ClinVar aggregate classification (germline): Pathogenic. Review status: criteria provided, multiple submitters, no conflicts (2 of 4 stars). 3 submissions from 3 submitters: Pathogenic (2). 1 of the submissions does not count toward it. Last evaluated 2024-03-25.

Conditions:
Pyridoxine-dependent epilepsy (EPEO4). Also called: EPILEPSY, EARLY-ONSET, 4, VITAMIN B6-DEPENDENT; PYRIDOXINE DEPENDENCY WITH SEIZURES; Pyridoxine-Dependent Seizures; Pyridoxine-Dependent Epilepsy - ALDH7A1. Identifiers: Orphanet 3006, MedGen C1849508, MONDO:0009945, OMIM 266100. Disease mechanism: loss of function.

Submissions (3):

Fulgent Genetics
Classification: Pathogenic for Pyridoxine-dependent epilepsy. Last evaluated: 2024-03-25. Review status: criteria provided, single submitter. Criteria: ACMG Guidelines, 2015. Collection method: clinical testing. Allele origin: germline.

Labcorp Genetics (formerly Invitae), Labcorp
Classification: Pathogenic for Pyridoxine-dependent epilepsy. Last evaluated: 2023-02-24. Review status: criteria provided, single submitter. Criteria: Invitae Variant Classification Sherloc (09022015). Collection method: clinical testing. Allele origin: germline.
Comment: For these reasons, this variant has been classified as Pathogenic. Algorithms developed to predict the effect of sequence changes on RNA splicing suggest that this variant may disrupt the consensus splice site. ClinVar contains an entry for this variant (Variation ID: 1704270). This variant has not been reported in the literature in individuals affected with ALDH7A1-related conditions. This variant is not present in population databases (gnomAD no frequency). This sequence change creates a premature translational stop signal (p.Glu443*) in the ALDH7A1 gene. It is expected to result in an absent or disrupted protein product. Loss-of-function variants in ALDH7A1 are known to be pathogenic (PMID: 16491085, 20554659).

Center of Excellence for Medical Genomics, Chulalongkorn University
Classification: Pathogenic for Pyridoxine-dependent epilepsy. Last evaluated: 2002-09-08. Review status: no assertion criteria provided. Collection method: research. Allele origin: maternal. Affected: yes. Not counted in ClinVar's aggregate classification.

Literature cited by the submitters: PubMed 16491085 (cited by Labcorp Genetics (formerly Invitae), Labcorp); PubMed 20554659 (cited by Labcorp Genetics (formerly Invitae), Labcorp).

NM_001182.5(ALDH7A1):c.1327G>T (p.Glu443Ter)

Gene: ALDH7A1 (aldehyde dehydrogenase 7 family member A1; minus strand). Cytogenetic location: 5q23.2.
Variant type: single nucleotide variant.
Coding change: c.1327G>T on transcript NM_001182.5 (MANE Select); coding-DNA position 1327, G replaced by T.
Protein change: p.Glu443Ter; replaces glutamic acid 443 with a stop codon.
Molecular consequence: nonsense.
Genome position (GRCh38, 1-based): chr5:126,550,284, C>A on the plus strand (G>T on the coding strand, the complement: ALDH7A1 is on the minus strand). VCF-style: chr5-126550284-C-A. GRCh37 (hg19) VCF-style: chr5-125885976-C-A.
Other names: c.1243G>T, p.Glu415Ter (NM_001201377.2); c.1135G>T, p.Glu379Ter (NM_001202404.2); short protein forms E379*, E415*, E443*.
Identifiers: ClinVar variation 1704270 (VCV001704270.5), dbSNP rs2480252872, ClinGen allele CA360721926.
Genomic context (GRCh38, chr5:126,550,284, plus strand): 5'-CTTTGGTAAAGATGCTACTTGAAAGTCCCTGTTTTACTTCATTATTCCATGCAAAGACCT[C>A]TTCTTCATTCTAAAAGGAGAGACATTGGAAGCTGTAAGATGTTATAGTGTTCAAGTCAAA-3'